The following is an entry in ClinVar:

NM_002844.4(PTPRK):c.3485T>C (p.Met1162Thr)

Gene: PTPRK (protein tyrosine phosphatase receptor type K; minus strand). Cytogenetic location: 6q22.33.
Variant type: single nucleotide variant.
Coding change: c.3485T>C on transcript NM_002844.4 (MANE Select); coding-DNA position 3485, T replaced by C.
Protein change: p.Met1162Thr; replaces methionine 1162 with threonine.
Molecular consequence: missense variant.
Genome position (GRCh38, 1-based): chr6:127,982,883, A>G on the plus strand (T>C on the coding strand, the complement: PTPRK is on the minus strand). VCF-style: chr6-127982883-A-G. GRCh37 (hg19) VCF-style: chr6-128304028-A-G.
Other names: c.3503T>C, p.Met1168Thr (NM_001135648.3); c.3551T>C, p.Met1184Thr (NM_001291981.2); c.3482T>C, p.Met1161Thr (NM_001291984.2); short protein forms M1161T, M1162T, M1168T, M1184T.
Identifiers: ClinVar variation 2656902 (VCV002656902.24), dbSNP rs2535348707, ClinGen allele CA365601588.

ClinVar aggregate classification (germline): Uncertain significance (1 of 4 stars; one submission).

Submission:

CeGaT Center for Human Genetics Tuebingen
Classification: Uncertain significance. Last evaluated: 2022-03-01. Review status: criteria provided, single submitter. Criteria: CeGaT Center For Human Genetics Tuebingen Variant Classification Criteria Version 2. Collection method: clinical testing. Allele origin: germline. Affected: yes. Observed: 1 variant allele.
Comment: PTPRK: PM2, PP2